The following is an entry in ClinVar:

NM_000626.4(CD79B):c.362T>G (p.Phe121Cys)

Genes: CD79B (CD79b molecule; minus strand), GH-LCR (growth hormone locus control region; plus strand). Cytogenetic location: 17q23.3.
Variant type: single nucleotide variant.
Coding change: c.362T>G on transcript NM_000626.4 (MANE Select); coding-DNA position 362, T replaced by G.
Protein change: p.Phe121Cys; replaces phenylalanine 121 with cysteine.
Molecular consequence: missense variant. On other transcripts: intron variant (2).
Genome position (GRCh38, 1-based): chr17:63,930,142, A>C on the plus strand (T>G on the coding strand, the complement: CD79B is on the minus strand). VCF-style: chr17-63930142-A-C. GRCh37 (hg19) VCF-style: chr17-62007502-A-C.
Other names: c.365T>G, p.Phe122Cys (NM_001039933.3); c.119-254T>G (NM_021602.4); c.122-254T>G (NM_001329050.2); short protein forms F121C, F122C.
Identifiers: ClinVar variation 2139982 (VCV002139982.4), dbSNP rs2509268615, ClinGen allele CA400604583.

ClinVar aggregate classification (germline): Uncertain significance (1 of 4 stars; one submission).

Conditions:
Agammaglobulinemia 6, autosomal recessive (AGM6). Also called: AGAMMAGLOBULINEMIA, AUTOSOMAL RECESSIVE, DUE TO CD79B DEFECT; AGAMMAGLOBULINEMIA 6. Identifiers: MedGen C3150207, MONDO:0012987, OMIM 612692.

Submission:

Labcorp Genetics (formerly Invitae), Labcorp
Classification: Uncertain significance for Agammaglobulinemia 6, autosomal recessive. Last evaluated: 2022-03-27. Review status: criteria provided, single submitter. Criteria: Invitae Variant Classification Sherloc (09022015). Collection method: clinical testing. Allele origin: germline.
Comment: This variant is not present in population databases (gnomAD no frequency). In summary, the available evidence is currently insufficient to determine the role of this variant in disease. Therefore, it has been classified as a Variant of Uncertain Significance. Algorithms developed to predict the effect of missense changes on protein structure and function are either unavailable or do not agree on the potential impact of this missense change (SIFT: "Not Available"; PolyPhen-2: "Probably Damaging"; Align-GVGD: "Not Available"). This variant has not been reported in the literature in individuals affected with CD79B-related conditions. This sequence change replaces phenylalanine, which is neutral and non-polar, with cysteine, which is neutral and slightly polar, at codon 121 of the CD79B protein (p.Phe121Cys).